The following is an entry in ClinVar:

NM_020812.4(DOCK6):c.5689-2_5699del

Gene: DOCK6 (dedicator of cytokinesis 6; minus strand). Cytogenetic location: 19p13.2.
Variant type: Deletion.
Coding change: c.5689-2_5699del on transcript NM_020812.4 (MANE Select); the canonical splice acceptor site of the intron before coding-DNA position 5689 through coding-DNA position 5699, 13 bases deleted (AGACGGTGCTGAC).
Molecular consequence: splice acceptor variant.
Genome position (GRCh38, 1-based): chr19:11,201,042-11,201,054, GTCAGCACCGTCT deleted on the plus strand (AGACGGTGCTGAC on the coding strand, the reverse complement: DOCK6 is on the minus strand); deleting any 13 consecutive bases within chr19:11,201,042-11,201,056 gives the same sequence; the c. name uses the placement nearest the transcript's 3' end. VCF-style (leftmost placement, unchanged base first): chr19-11201041-CGTCAGCACCGTCT-C. GRCh37 (hg19) VCF-style: chr19-11311717-CGTCAGCACCGTCT-C.
Other names: c.5794-2_5804del (NM_001367830.1).
Identifiers: ClinVar variation 2054355 (VCV002054355.4), dbSNP rs2512917818, ClinGen allele CA2580096429.
Genomic context (GRCh38, chr19:11,201,041, plus strand): 5'-GGTGGCAAAGGCCAGCTCCCGTGTCTTCTTCTGCATGTCCTCGATGGCCACCTCCACTGG[CGTCAGCACCGTCT>C]GTGGGGTAAGGGGAGGGGTGTGTACTCGCTGGGGCCTGAGGAGGTCCTGATCGAAGCCAG-3'

ClinVar aggregate classification (germline): Likely pathogenic (1 of 4 stars; one submission).

Submission:

Labcorp Genetics (formerly Invitae), Labcorp
Classification: Likely pathogenic. Last evaluated: 2022-01-11. Review status: criteria provided, single submitter. Criteria: Invitae Variant Classification Sherloc (09022015). Collection method: clinical testing. Allele origin: germline.
Comment: In summary, the currently available evidence indicates that the variant is pathogenic, but additional data are needed to prove that conclusively. Therefore, this variant has been classified as Likely Pathogenic. Algorithms developed to predict the effect of sequence changes on RNA splicing suggest that this variant may disrupt the consensus splice site. This variant results in the deletion of part of exon 45 (c.5689-2_5699del) of the DOCK6 gene. It is expected to disrupt RNA splicing. Variants that disrupt the donor or acceptor splice site typically lead to a loss of protein function (PMID: 16199547), and loss-of-function variants in DOCK6 are known to be pathogenic (PMID: 21820096, 25824905). This variant is not present in population databases (gnomAD no frequency). This variant has not been reported in the literature in individuals affected with DOCK6-related conditions.

Literature cited by the submitters: PubMed 16199547; PubMed 21820096; PubMed 25824905.